The following is an entry in ClinVar:

ClinVar aggregate classification (germline): Likely benign. Review status: criteria provided, single submitter (1 of 4 stars). 2 submissions from 2 submitters: Likely benign (1). 1 of the submissions does not count toward it. Last evaluated 2025-05-05.

Conditions:
PLXNA1-related disorder. Also called: PLXNA1-related condition.

Allele frequency attached by ClinVar (database versions not stated): ExAC 0.00026; TOPMed 0.00031; gnomAD 0.00035; ESP Exome Variant Server 0.00038; gnomAD exomes 0.00082.

Submissions (2):

Labcorp Genetics (formerly Invitae), Labcorp
Classification: Likely benign. Last evaluated: 2025-05-05. Review status: criteria provided, single submitter. Criteria: Invitae Variant Classification Sherloc (09022015). Collection method: clinical testing. Allele origin: germline.

PreventionGenetics, part of Exact Sciences
Classification: Likely benign for PLXNA1-related condition. Last evaluated: 2019-06-07. Review status: no assertion criteria provided. Collection method: clinical testing. Allele origin: germline. Not counted in ClinVar's aggregate classification.
Comment: This variant is classified as likely benign based on ACMG/AMP sequence variant interpretation guidelines (Richards et al. 2015 PMID: 25741868, with internal and published modifications).

NM_032242.4(PLXNA1):c.5445-6C>T

Gene: PLXNA1 (plexin A1; plus strand). Cytogenetic location: 3q21.3.
Variant type: single nucleotide variant.
Coding change: c.5445-6C>T on transcript NM_032242.4 (MANE Select); 6 bases into the intron before coding-DNA position 5445, C replaced by T.
Molecular consequence: intron variant.
Genome position (GRCh38, 1-based): chr3:127,032,680, C>T. VCF-style: chr3-127032680-C-T. GRCh37 (hg19) VCF-style: chr3-126751523-C-T.
Other names: c.5445-6C>T (NM_032242.3).
Identifiers: ClinVar variation 2150511 (VCV002150511.6), dbSNP rs375347692, ClinGen allele CA2594698.